The following is an entry in ClinVar:

NM_021067.5(GINS1):c.418A>T (p.Met140Leu)

Gene: GINS1 (GINS complex subunit 1; plus strand). Cytogenetic location: 20p11.21.
Variant type: single nucleotide variant.
Coding change: c.418A>T on transcript NM_021067.5 (MANE Select); coding-DNA position 418, A replaced by T.
Protein change: p.Met140Leu; replaces methionine 140 with leucine.
Molecular consequence: missense variant. On other transcripts: non-coding transcript variant (1).
Genome position (GRCh38, 1-based): chr20:25,425,298, A>T. VCF-style: chr20-25425298-A-T. GRCh37 (hg19) VCF-style: chr20-25405934-A-T.
Other names: c.418A>T (NM_021067.3); short protein forms M140L.
Identifiers: ClinVar variation 1393735 (VCV001393735.9), dbSNP rs1270895165, ClinGen allele CA408449030.

ClinVar aggregate classification (germline): Uncertain significance. Review status: criteria provided, multiple submitters, no conflicts (2 of 4 stars). 3 submissions from 3 submitters: Uncertain significance (3). Last evaluated 2021-10-27.

Conditions:
Combined immunodeficiency due to GINS1 deficiency. Also called: IMMUNODEFICIENCY 55. Identifiers: Orphanet 505227, MedGen C5568132, MONDO:0044725, OMIM 617827.

Submissions (3):

Labcorp Genetics (formerly Invitae), Labcorp
Classification: Uncertain significance. Last evaluated: 2021-10-27. Review status: criteria provided, single submitter. Criteria: Invitae Variant Classification Sherloc (09022015). Collection method: clinical testing. Allele origin: germline.
Comment: In summary, the available evidence is currently insufficient to determine the role of this variant in disease. Therefore, it has been classified as a Variant of Uncertain Significance. Algorithms developed to predict the effect of missense changes on protein structure and function are either unavailable or do not agree on the potential impact of this missense change (SIFT: "Not Available"; PolyPhen-2: "Benign"; Align-GVGD: "Not Available"). This variant has not been reported in the literature in individuals affected with GINS1-related conditions. This variant is not present in population databases (gnomAD no frequency). This sequence change replaces methionine with leucine at codon 140 of the GINS1 protein (p.Met140Leu). The methionine residue is weakly conserved and there is a small physicochemical difference between methionine and leucine.

Ambry Genetics
Classification: Uncertain significance. Last evaluated: 2021-09-27. Review status: criteria provided, single submitter. Criteria: Ambry Variant Classification Scheme 2023. Collection method: clinical testing. Allele origin: germline.

Revvity Omics, Revvity
Classification: Uncertain significance for Combined immunodeficiency due to GINS1 deficiency. Last evaluated: 2019-12-06. Review status: criteria provided, single submitter. Criteria: ACMG Guidelines, 2015. Collection method: clinical testing. Allele origin: germline.